The following is an entry in ClinVar:

ClinVar aggregate classification (germline): Uncertain significance (1 of 4 stars; one submission).

gnomAD v4.1: 4 of 1,569,468 alleles (0.00025%); highest among the groups gnomAD compares: Non-Finnish European, 0.00035%; no homozygotes.

Submission:

Labcorp Genetics (formerly Invitae), Labcorp
Classification: Uncertain significance. Last evaluated: 2025-09-03. Review status: criteria provided, single submitter. Criteria: Invitae Variant Classification Sherloc (09022015). Collection method: clinical testing. Allele origin: germline.
Comment: This sequence change affects a donor splice site in intron 11 of the ZCCHC8 gene. It is expected to disrupt RNA splicing. Variants that disrupt the donor or acceptor splice site typically lead to a loss of protein function (PMID: 16199547), however the current clinical and genetic evidence is not sufficient to establish whether loss-of-function variants in ZCCHC8 cause disease. The frequency data for this variant in the population databases is considered unreliable, as metrics indicate poor data quality at this position in the gnomAD database. This variant has not been reported in the literature in individuals affected with ZCCHC8-related conditions. Algorithms developed to predict the effect of sequence changes on RNA splicing suggest that this variant may disrupt the consensus splice site. In summary, the available evidence is currently insufficient to determine the role of this variant in disease. Therefore, it has been classified as a Variant of Uncertain Significance.

Literature cited by the submitters: PubMed 16199547.

NM_017612.5(ZCCHC8):c.1140+1G>A

Gene: ZCCHC8 (zinc finger CCHC-type containing 8; minus strand). Cytogenetic location: 12q24.31.
Variant type: single nucleotide variant.
Coding change: c.1140+1G>A on transcript NM_017612.5 (MANE Select); the canonical splice donor site of the intron after coding-DNA position 1140, G replaced by A.
Molecular consequence: splice donor variant.
Genome position (GRCh38, 1-based): chr12:122,480,189, C>T on the plus strand (G>A on the coding strand, the complement: ZCCHC8 is on the minus strand). VCF-style: chr12-122480189-C-T. GRCh37 (hg19) VCF-style: chr12-122964736-C-T.
Other names: c.426+1G>A (NM_001350938.2, NM_001350937.2); c.909+1G>A (NM_001350935.2); c.843+1G>A (NM_001350936.2).
Identifiers: ClinVar variation 4808796 (VCV004808796.1).
Genomic context (GRCh38, chr12:122,480,189, plus strand): 5'-ACCAATCTTTAACATAATAATATCACATCACATGATAATTTAAAAAAATCAATATACTTA[C>T]GTCTGGAATTCCTCTGGGAGTAGATATATTAAAACCAGGATAGTTGACCAATTTTGAGAG-3'